The following is an entry in ClinVar:

NM_001136193.2(FASTKD2):c.63G>A (p.Ala21=)

Gene: FASTKD2 (FAST kinase domains 2; plus strand). Cytogenetic location: 2q33.3.
Variant type: single nucleotide variant.
Coding change: c.63G>A on transcript NM_001136193.2 (MANE Select); coding-DNA position 63, G replaced by A.
Protein change: p.Ala21=; no amino-acid change (alanine 21 retained).
Molecular consequence: synonymous variant.
Genome position (GRCh38, 1-based): chr2:206,766,756, G>A. VCF-style: chr2-206766756-G-A. GRCh37 (hg19) VCF-style: chr2-207631480-G-A.
Other names: c.63G>A, p.Ala21= (NM_001136194.2, NM_014929.4); c.63G>A (NM_014929.3).
Identifiers: ClinVar variation 1547529 (VCV001547529.10), dbSNP rs201816518, ClinGen allele CA2074820.
Genomic context (GRCh38, chr2:206,766,756, plus strand): 5'-GTTGACAACTTTGAAGCCATTTGGAAGTGTTTCAGTGGAGAGCAAAATGAATAACAAAGC[G>A]GGCTCCTTTTTCTGGAACCTTAGACAATTCAGTACATTAGTTTCAACAAGCAGAACTATG-3'
Protein context (NP_001129665.1, residues 11-31): VSVESKMNNK[Ala21=]GSFFWNLRQF

ClinVar aggregate classification (germline): Likely benign. Review status: criteria provided, single submitter (1 of 4 stars). 2 submissions from 2 submitters: Likely benign (1). 1 of the submissions does not count toward it. Last evaluated 2023-12-13.

Conditions:
FASTKD2-related disorder. Also called: FASTKD2-related condition.

Allele frequency attached by ClinVar (database versions not stated): ExAC 0.00002; gnomAD 0.00004 and 0.00005; TOPMed 0.00005; ESP Exome Variant Server 0.00015; 1000 Genomes Project 30x 0.00016; 1000 Genomes Project 0.00020.
gnomAD v4.1: 76 of 1,613,854 alleles (0.0047%); highest among the groups gnomAD compares: Middle Eastern, 0.017%; no homozygotes.

Submissions (2):

Labcorp Genetics (formerly Invitae), Labcorp
Classification: Likely benign. Last evaluated: 2023-12-13. Review status: criteria provided, single submitter. Criteria: Invitae Variant Classification Sherloc (09022015). Collection method: clinical testing. Allele origin: germline.

PreventionGenetics, part of Exact Sciences
Classification: Likely benign for FASTKD2-related condition. Last evaluated: 2019-10-15. Review status: no assertion criteria provided. Collection method: clinical testing. Allele origin: germline. Not counted in ClinVar's aggregate classification.
Comment: This variant is classified as likely benign based on ACMG/AMP sequence variant interpretation guidelines (Richards et al. 2015 PMID: 25741868, with internal and published modifications).